The following is an entry in ClinVar:

NM_000060.4:c.469C>T

Variant type: single nucleotide variant.
Other names: c.469C>T (NM_000060.4).
Identifiers: ClinVar variation 4532848 (VCV004532848.1).

ClinVar aggregate classification (germline): Likely pathogenic (1 of 4 stars; one submission).

Submission:

Quest Diagnostics Nichols Institute San Juan Capistrano
Classification: Likely pathogenic. Last evaluated: 2025-04-28. Review status: criteria provided, single submitter. Criteria: Quest Diagnostics criteria. Collection method: clinical testing. Allele origin: unknown.
Comment: The BTD c.469C>T (p.Arg157Cys) variant has been reported in the published literature in individuals and families with biotinidase deficiency (PMID: 17185019 (2007), 20224900 (2010), 35195902 (2022)). A different deleterious variant, c.470G>A (p.Arg157His), also affects this position in the BTD protein, which supports a negative effect of the c.469C>T variant on the function of the BTD enzyme. The frequency of this variant in the general population (Genome Aggregation Database) is consistent with pathogenicity. Analysis of this variant using bioinformatics tools for the prediction of the effect of amino acid changes on protein structure and function yielded predictions that this variant is damaging. Based on the available information, this variant is classified as likely pathogenic.

Literature cited by the submitters: PubMed 20224900; PubMed 39688110; PubMed 35195902; PubMed 17185019; PubMed 20556795.